The following is an entry in ClinVar:

NM_001267550.2(TTN):c.62493T>C (p.Leu20831=)

Genes: TTN (titin; minus strand), TTN-AS1 (TTN antisense RNA 1; plus strand). Cytogenetic location: 2q31.2.
Variant type: single nucleotide variant.
Coding change: c.62493T>C on transcript NM_001267550.2 (MANE Select); coding-DNA position 62493, T replaced by C.
Protein change: p.Leu20831=; no amino-acid change (leucine 20831 retained).
Molecular consequence: synonymous variant.
Genome position (GRCh38, 1-based): chr2:178,589,232, A>G on the plus strand (T>C on the coding strand, the complement: TTN is on the minus strand). VCF-style: chr2-178589232-A-G. GRCh37 (hg19) VCF-style: chr2-179453959-A-G.
Other names: c.57570T>C, p.Leu19190= (NM_001256850.1); c.35298T>C, p.Leu11766= (NM_003319.4); c.54789T>C, p.Leu18263= (NM_133378.4); c.35673T>C, p.Leu11891= (NM_133432.3); c.35874T>C, p.Leu11958= (NM_133437.4).
Identifiers: ClinVar variation 4525726 (VCV004525726.1).

ClinVar aggregate classification (germline): Likely benign (1 of 4 stars; one submission).

gnomAD v4.1: 1 of 1,613,476 alleles (0.000062%); highest among the groups gnomAD compares: Non-Finnish European, 0.000085%; no homozygotes.

Submission:

Women's Health and Genetics/Laboratory Corporation of America, LabCorp
Classification: Likely benign. Last evaluated: 2025-07-21. Review status: criteria provided, single submitter. Criteria: LabCorp Variant Classification Summary - May 2015. Collection method: clinical testing. Allele origin: germline.
Comment: Variant summary: TTN c.54789T>C alters a conserved nucleotide resulting in a synonymous change. The variant was absent in 248634 control chromosomes. The available data on variant occurrences in the general population are insufficient to allow any conclusion about variant significance. To our knowledge, no occurrence of c.54789T>C in individuals affected with Dilated Cardiomyopathy and no experimental evidence demonstrating its impact on protein function have been reported. No submitters have cited clinical-significance assessments for this variant to ClinVar. Based on the evidence outlined above, the variant was classified as likely benign.